The following is an entry in ClinVar:

NM_000257.4(MYH7):c.1461G>A (p.Gln487=)

Gene: MYH7 (myosin heavy chain 7; minus strand). Cytogenetic location: 14q11.2.
Variant type: single nucleotide variant.
Coding change: c.1461G>A on transcript NM_000257.4 (MANE Select); coding-DNA position 1461, G replaced by A.
Protein change: p.Gln487=; no amino-acid change (glutamine 487 retained).
Molecular consequence: synonymous variant.
Genome position (GRCh38, 1-based): chr14:23,428,617, C>T on the plus strand (G>A on the coding strand, the complement: MYH7 is on the minus strand). VCF-style: chr14-23428617-C-T. GRCh37 (hg19) VCF-style: chr14-23897826-C-T.
Identifiers: ClinVar variation 927184 (VCV000927184.14), dbSNP rs759736393, ClinGen allele CA028549.
Genomic context (GRCh38, chr14:23,428,617, plus strand): 5'-CTCGATGCCCTCCTTCTTGTACTCCTCCTGCTCCAGCACAAACATGTGGTGGTTGAAGAA[C>T]TGCTGCAGCTTCTCGTTGGTGAAGTTGATGCAGAGCTGCTCAAAGCTGTTGAACTGCAGG-3'
Protein context (NP_000248.2, residues 477-497): CINFTNEKLQ[Gln487=]FFNHHMFVLE

ClinVar aggregate classification (germline): Likely benign. Review status: criteria provided, multiple submitters, no conflicts (2 of 4 stars). 5 submissions from 5 submitters: Likely benign (5). Last evaluated 2026-03-27.

Conditions:
Cardiomyopathy (CMYO). Also called: Cardiomyopathies. Identifiers: Orphanet 167848, MedGen C0878544, MONDO:0004994, HP:0001638. Inheritance: Various modes of inheritance.
Cardiovascular phenotype. Identifiers: MedGen CN230736.
Hypertrophic cardiomyopathy. Also called: HYPERTROPHIC MYOCARDIOPATHY. Identifiers: Orphanet 217569, MedGen C0007194, MeSH D002312, MONDO:0005045, HP:0001639.

Allele frequency attached by ClinVar (database versions not stated): TOPMed 0.00001; gnomAD exomes 0.00002; ExAC 0.00002.
gnomAD v4.1: 26 of 1,614,210 alleles (0.0016%); highest among the groups gnomAD compares: South Asian, 0.027%; no homozygotes.

Submissions (5):

Molecular Diagnostic Laboratory for Inherited Cardiovascular Disease, Montreal Heart Institute
Classification: Likely benign. Last evaluated: 2026-03-27. Review status: criteria provided, single submitter. Criteria: ACMG Guidelines, 2015. Collection method: clinical testing. Allele origin: germline. Affected: no.

Labcorp Genetics (formerly Invitae), Labcorp
Classification: Likely benign for Hypertrophic cardiomyopathy. Last evaluated: 2024-08-18. Review status: criteria provided, single submitter. Criteria: Invitae Variant Classification Sherloc (09022015). Collection method: clinical testing. Allele origin: germline.

Ambry Genetics
Classification: Likely benign for Cardiovascular phenotype. Last evaluated: 2023-05-06. Review status: criteria provided, single submitter. Criteria: Ambry Variant Classification Scheme 2023. Collection method: clinical testing. Allele origin: germline.

All of Us Research Program, National Institutes of Health
Classification: Likely benign for Cardiomyopathy. Last evaluated: 2023-02-24. Review status: criteria provided, single submitter. Criteria: ACMG Guidelines, 2015. Collection method: clinical testing. Allele origin: germline. Inheritance: Autosomal dominant inheritance. Observed: 1 variant allele, 1 heterozygote.
Comment: This study involves interpretation of variants in research participants for the purpose of population health screening. Participant phenotype was not available at the time of variant classification. Additional details can be found in publication PMID: 35346344, PMCID: PMC8962531

Color Diagnostics, LLC DBA Color Health
Classification: Likely benign for Cardiomyopathy. Last evaluated: 2019-02-25. Review status: criteria provided, single submitter. Criteria: ACMG Guidelines, 2015. Collection method: clinical testing. Allele origin: germline.